The following is an entry in ClinVar:

ClinVar aggregate classification (germline): Uncertain significance (1 of 4 stars; one submission).

Submission:

Labcorp Genetics (formerly Invitae), Labcorp
Classification: Uncertain significance. Last evaluated: 2023-04-12. Review status: criteria provided, single submitter. Criteria: Invitae Variant Classification Sherloc (09022015). Collection method: clinical testing. Allele origin: germline.
Comment: This sequence change replaces histidine, which is basic and polar, with arginine, which is basic and polar, at codon 688 of the ERBIN protein (p.His688Arg). This variant is not present in population databases (gnomAD no frequency). This variant has not been reported in the literature in individuals affected with ERBIN-related conditions. Algorithms developed to predict the effect of missense changes on protein structure and function output the following: SIFT: "Not Available"; PolyPhen-2: "Benign"; Align-GVGD: "Not Available". The arginine amino acid residue is found in multiple mammalian species, which suggests that this missense change does not adversely affect protein function. In summary, the available evidence is currently insufficient to determine the role of this variant in disease. Therefore, it has been classified as a Variant of Uncertain Significance.

NM_001253697.2(ERBIN):c.2063A>G (p.His688Arg)

Gene: ERBIN (erbb2 interacting protein; plus strand). Cytogenetic location: 5q12.3.
Variant type: single nucleotide variant.
Coding change: c.2063A>G on transcript NM_001253697.2 (MANE Select); coding-DNA position 2063, A replaced by G.
Protein change: p.His688Arg; replaces histidine 688 with arginine.
Molecular consequence: missense variant.
Genome position (GRCh38, 1-based): chr5:66,050,942, A>G. VCF-style: chr5-66050942-A-G. GRCh37 (hg19) VCF-style: chr5-65346770-A-G.
Other names: c.2063A>G, p.His688Arg (NM_001006600.3, NM_001253698.2, NM_001253699.2 and 1 more transcripts); c.2051A>G, p.His684Arg (NM_001253701.2); short protein forms H688R, H684R.
Identifiers: ClinVar variation 2854661 (VCV002854661.3), dbSNP rs2546801456, ClinGen allele CA359864049.